The following is an entry in ClinVar:

ClinVar aggregate classification (germline): Pathogenic/Likely pathogenic. Review status: criteria provided, multiple submitters, no conflicts (2 of 4 stars). 3 submissions from 3 submitters: Pathogenic (2); Likely pathogenic (1). Last evaluated 2025-11-25.

Conditions:
Familial hypercholesterolemia. Also called: Familial hypercholesterolemias; Familial hypercholesterolaemia. Identifiers: MedGen C0020445, MONDO:0005439.
Hypercholesterolemia, familial, 4 (FHCL4). Also called: HYPERCHOLESTEROLEMIA, AUTOSOMAL RECESSIVE, 1; HYPERCHOLESTEROLEMIA, AUTOSOMAL RECESSIVE, 2. Identifiers: Orphanet 391665, MedGen C1863512, MONDO:0011374, OMIM 603813.

Submissions (3):

Natera, Inc.
Classification: Likely pathogenic for Familial hypercholesterolemia. Last evaluated: 2025-11-25. Review status: criteria provided, single submitter. Criteria: Natera Variant Classification Schema (03/2026). Collection method: clinical testing. Allele origin: germline.
Comment: The c.66G>A variant in LDLRAP1 is a nonsense variant predicted to introduce a stop codon at amino acid 22. This variant is expected to result in nonsense mediated decay, truncation, or a dysfunctional protein product. This variant is rare in the general population with a frequency below the threshold expected for the associated phenotype(s). Given the available evidence, this variant is classified as Likely Pathogenic.

Labcorp Genetics (formerly Invitae), Labcorp
Classification: Pathogenic for Hypercholesterolemia, familial, 4. Last evaluated: 2023-09-12. Review status: criteria provided, single submitter. Criteria: Invitae Variant Classification Sherloc (09022015). Collection method: clinical testing. Allele origin: germline.
Comment: This sequence change creates a premature translational stop signal (p.Trp22*) in the LDLRAP1 gene. It is expected to result in an absent or disrupted protein product. Loss-of-function variants in LDLRAP1 are known to be pathogenic (PMID: 11326085, 12464675). This variant is not present in population databases (gnomAD no frequency). For these reasons, this variant has been classified as Pathogenic. ClinVar contains an entry for this variant (Variation ID: 2437212). This premature translational stop signal has been observed in individual(s) with autosomal recessive hypercholesterolemia (PMID: 11326085).

Revvity Omics, Revvity
Classification: Pathogenic for Hypercholesterolemia, familial, 4. Last evaluated: 2022-10-26. Review status: criteria provided, single submitter. Criteria: ACMG Guidelines, 2015. Collection method: clinical testing. Allele origin: germline.

Literature cited by the submitters: PubMed 11326085 (cited by Labcorp Genetics (formerly Invitae), Labcorp); PubMed 12464675 (cited by Labcorp Genetics (formerly Invitae), Labcorp).

NM_015627.3(LDLRAP1):c.66G>A (p.Trp22Ter)

Genes: LDLRAP1 (low density lipoprotein receptor adaptor protein 1; plus strand), LOC129929773 (ATAC-STARR-seq lymphoblastoid silent region 456; plus strand). Cytogenetic location: 1p36.11.
Variant type: single nucleotide variant.
Coding change: c.66G>A on transcript NM_015627.3 (MANE Select); coding-DNA position 66, G replaced by A.
Protein change: p.Trp22Ter; replaces tryptophan 22 with a stop codon.
Molecular consequence: nonsense.
Genome position (GRCh38, 1-based): chr1:25,543,764, G>A. VCF-style: chr1-25543764-G-A. GRCh37 (hg19) VCF-style: chr1-25870255-G-A.
Other names: short protein forms W22*.
Identifiers: ClinVar variation 2437212 (VCV002437212.7), dbSNP rs532723373, ClinGen allele CA339076693.
Genomic context (GRCh38, chr1:25,543,764, plus strand): 5'-CGCGCTCAAGTCGGCGGGGCGGGCGCTGATCCGGAGCCCCAGCTTGGCCAAGCAGAGCTG[G>A]GGGGGCGGTGGCCGGCACCGCAGTGAGTGTGCGCGCGTCAGCCGGGCCGGGCCGGGATCG-3'